The following is an entry in ClinVar:

NM_022065.5(THADA):c.4434G>A (p.Gln1478=)

Gene: THADA (THADA armadillo repeat containing; minus strand). Cytogenetic location: 2p21.
Variant type: single nucleotide variant.
Coding change: c.4434G>A on transcript NM_022065.5 (MANE Select); coding-DNA position 4434, G replaced by A.
Protein change: p.Gln1478=; no amino-acid change (glutamine 1478 retained).
Molecular consequence: synonymous variant. On other transcripts: non-coding transcript variant (2).
Genome position (GRCh38, 1-based): chr2:43,320,450, C>T on the plus strand (G>A on the coding strand, the complement: THADA is on the minus strand). VCF-style: chr2-43320450-C-T. GRCh37 (hg19) VCF-style: chr2-43547589-C-T.
Other names: c.4434G>A, p.Gln1478= (NM_001083953.2, NM_001345925.2); c.4431G>A, p.Gln1477= (NM_001345923.2); c.4311G>A, p.Gln1437= (NM_001345924.2); c.*505G>A (NM_198554.1).
Identifiers: ClinVar variation 2650854 (VCV002650854.24), dbSNP rs371006127, ClinGen allele CA1632223.

ClinVar aggregate classification (germline): Likely benign (1 of 4 stars; one submission).

Allele frequency attached by ClinVar (database versions not stated): ESP Exome Variant Server 0.00008; ExAC 0.00009; gnomAD 0.00015; TOPMed 0.00017; gnomAD exomes 0.00026.
gnomAD v4.1: 414 of 1,610,606 alleles (0.026%); highest among the groups gnomAD compares: Non-Finnish European, 0.032%; no homozygotes.

Submission:

CeGaT Center for Human Genetics Tuebingen
Classification: Likely benign. Last evaluated: 2022-09-01. Review status: criteria provided, single submitter. Criteria: CeGaT Center For Human Genetics Tuebingen Variant Classification Criteria Version 2. Collection method: clinical testing. Allele origin: germline. Affected: yes. Observed: 1 variant allele.
Comment: THADA: BP4, BP7